The following is an entry in ClinVar:

ClinVar aggregate classification (germline): Uncertain significance (1 of 4 stars; one submission).

Conditions:
Hypertrophic cardiomyopathy 19. Also called: Familial hypertrophic cardiomyopathy 19. Identifiers: MedGen CN077603, MONDO:0013476.

Allele frequency attached by ClinVar (database versions not stated): TOPMed 0.00001; ExAC 0.00002; gnomAD 0.00001; gnomAD exomes 0.00001.
gnomAD v4.1: 10 of 1,613,920 alleles (0.00062%); highest among the groups gnomAD compares: South Asian, 0.0022%; no homozygotes.

Submission:

Labcorp Genetics (formerly Invitae), Labcorp
Classification: Uncertain significance for Hypertrophic cardiomyopathy 19. Last evaluated: 2022-07-05. Review status: criteria provided, single submitter. Criteria: Invitae Variant Classification Sherloc (09022015). Collection method: clinical testing. Allele origin: germline.
Comment: In summary, the available evidence is currently insufficient to determine the role of this variant in disease. Therefore, it has been classified as a Variant of Uncertain Significance. Algorithms developed to predict the effect of missense changes on protein structure and function output the following: SIFT: "Tolerated"; PolyPhen-2: "Benign"; Align-GVGD: "Class C0". The valine amino acid residue is found in multiple mammalian species, which suggests that this missense change does not adversely affect protein function. This variant has not been reported in the literature in individuals affected with CALR3-related conditions. This variant is present in population databases (rs768826027, gnomAD 0.002%). This sequence change replaces isoleucine, which is neutral and non-polar, with valine, which is neutral and non-polar, at codon 346 of the CALR3 protein (p.Ile346Val).

NM_145046.5(CALR3):c.1036A>G (p.Ile346Val)

Gene: CALR3 (calreticulin 3; minus strand). Cytogenetic location: 19p13.11.
Variant type: single nucleotide variant.
Coding change: c.1036A>G on transcript NM_145046.5 (MANE Select); coding-DNA position 1036, A replaced by G.
Protein change: p.Ile346Val; replaces isoleucine 346 with valine.
Molecular consequence: missense variant.
Genome position (GRCh38, 1-based): chr19:16,479,250, T>C on the plus strand (A>G on the coding strand, the complement: CALR3 is on the minus strand). VCF-style: chr19-16479250-T-C. GRCh37 (hg19) VCF-style: chr19-16590061-T-C.
Other names: short protein forms I346V.
Identifiers: ClinVar variation 2088111 (VCV002088111.4), dbSNP rs768826027, ClinGen allele CA9278186.